The following is an entry in ClinVar:

NM_001009925.2(TMEM230):c.121A>C (p.Ile41Leu)

Gene: TMEM230 (transmembrane protein 230; minus strand). Cytogenetic location: 20p12.3.
Variant type: single nucleotide variant.
Coding change: c.121A>C on transcript NM_001009925.2 (MANE Select); coding-DNA position 121, A replaced by C.
Protein change: p.Ile41Leu; replaces isoleucine 41 with leucine.
Molecular consequence: missense variant.
Genome position (GRCh38, 1-based): chr20:5,106,289, T>G on the plus strand (A>C on the coding strand, the complement: TMEM230 is on the minus strand). VCF-style: chr20-5106289-T-G. GRCh37 (hg19) VCF-style: chr20-5086935-T-G.
Other names: c.121A>C, p.Ile41Leu (NM_001009924.2, NM_001330984.2, NM_001330985.2 and 4 more transcripts); short protein forms I41L.
Identifiers: ClinVar variation 1473299 (VCV001473299.7), dbSNP rs139824737, ClinGen allele CA9753422.

ClinVar aggregate classification (germline): Uncertain significance (1 of 4 stars; one submission).

Allele frequency attached by ClinVar (database versions not stated): ExAC 0.00009; gnomAD exomes 0.00012; gnomAD 0.00014 and 0.00015; TOPMed 0.00014; ESP Exome Variant Server 0.00015.

Submission:

Labcorp Genetics (formerly Invitae), Labcorp
Classification: Uncertain significance. Last evaluated: 2025-11-27. Review status: criteria provided, single submitter. Criteria: Invitae Variant Classification Sherloc (09022015). Collection method: clinical testing. Allele origin: germline.
Comment: This sequence change replaces isoleucine, which is neutral and non-polar, with leucine, which is neutral and non-polar, at codon 104 of the TMEM230 protein (p.Ile104Leu). This variant is present in population databases (rs139824737, gnomAD 0.03%), and has an allele count higher than expected for a pathogenic variant. This variant has not been reported in the literature in individuals affected with TMEM230-related conditions. ClinVar contains an entry for this variant (Variation ID: 1473299). An algorithm developed to predict the effect of missense changes on protein structure and function (PolyPhen-2) suggests that this variant is likely to be tolerated. In summary, the available evidence is currently insufficient to determine the role of this variant in disease. Therefore, it has been classified as a Variant of Uncertain Significance.